The following is an entry in ClinVar:

ClinVar aggregate classification (germline): Uncertain significance (1 of 4 stars; one submission).

gnomAD v4.1: 4 of 1,609,152 alleles (0.00025%); highest among the groups gnomAD compares: Non-Finnish European, 0.00034%; no homozygotes.

Submission:

Ambry Genetics
Classification: Uncertain significance. Last evaluated: 2026-04-18. Review status: criteria provided, single submitter. Criteria: Ambry Variant Classification Scheme 2023. Collection method: clinical testing. Allele origin: germline.
Comment: The p.S16F variant (also known as c.47C>T), located in coding exon 1 of the MC1R gene, results from a C to T substitution at nucleotide position 47. The serine at codon 16 is replaced by phenylalanine, an amino acid with highly dissimilar properties. This amino acid position is conserved. In addition, this alteration is predicted to be tolerated by in silico analysis. Based on the available evidence, the clinical significance of this variant remains unclear.

NM_002386.4(MC1R):c.47C>T (p.Ser16Phe)

Gene: MC1R (melanocortin 1 receptor; plus strand). Cytogenetic location: 16q24.3.
Variant type: single nucleotide variant.
Coding change: c.47C>T on transcript NM_002386.4 (MANE Select); coding-DNA position 47, C replaced by T.
Protein change: p.Ser16Phe; replaces serine 16 with phenylalanine.
Molecular consequence: missense variant.
Genome position (GRCh38, 1-based): chr16:89,919,305, C>T. VCF-style: chr16-89919305-C-T. GRCh37 (hg19) VCF-style: chr16-89985713-C-T.
Other names: short protein forms S16F.
Identifiers: ClinVar variation 4859656 (VCV004859656.1).